The following is an entry in ClinVar:

NM_014251.3(SLC25A13):c.1271G>A (p.Gly424Asp)

Gene: SLC25A13 (solute carrier family 25 member 13; minus strand). Cytogenetic location: 7q21.3.
Variant type: single nucleotide variant.
Coding change: c.1271G>A on transcript NM_014251.3 (MANE Select); coding-DNA position 1271, G replaced by A.
Protein change: p.Gly424Asp; replaces glycine 424 with aspartic acid.
Molecular consequence: missense variant. On other transcripts: non-coding transcript variant (1).
Genome position (GRCh38, 1-based): chr7:96,170,085, C>T on the plus strand (G>A on the coding strand, the complement: SLC25A13 is on the minus strand). VCF-style: chr7-96170085-C-T. GRCh37 (hg19) VCF-style: chr7-95799397-C-T.
Other names: c.1274G>A, p.Gly425Asp (NM_001160210.2); short protein forms G424D, G425D.
Identifiers: ClinVar variation 3710338 (VCV003710338.2).

ClinVar aggregate classification (germline): Uncertain significance (1 of 4 stars; one submission).

Conditions:
Citrin deficiency. Identifiers: Orphanet 247582, MedGen C1997910, MONDO:0016602.

gnomAD v4.1: 18 of 1,614,060 alleles (0.0011%); highest among the groups gnomAD compares: Non-Finnish European, 0.0013%; no homozygotes.

Submission:

Labcorp Genetics (formerly Invitae), Labcorp
Classification: Uncertain significance for Citrin deficiency. Last evaluated: 2024-04-09. Review status: criteria provided, single submitter. Criteria: Invitae Variant Classification Sherloc (09022015). Collection method: clinical testing. Allele origin: germline.
Comment: This sequence change replaces glycine, which is neutral and non-polar, with aspartic acid, which is acidic and polar, at codon 424 of the SLC25A13 protein (p.Gly424Asp). This variant is present in population databases (no rsID available, gnomAD 0.002%). This variant has not been reported in the literature in individuals affected with SLC25A13-related conditions. Advanced modeling of protein sequence and biophysical properties (such as structural, functional, and spatial information, amino acid conservation, physicochemical variation, residue mobility, and thermodynamic stability) performed at Invitae indicates that this missense variant is not expected to disrupt SLC25A13 protein function with a negative predictive value of 80%. In summary, the available evidence is currently insufficient to determine the role of this variant in disease. Therefore, it has been classified as a Variant of Uncertain Significance.